The following is an entry in ClinVar:

NM_001040108.2(MLH3):c.4043C>G (p.Thr1348Arg)

Gene: MLH3 (mutL homolog 3; minus strand). Cytogenetic location: 14q24.3.
Variant type: single nucleotide variant.
Coding change: c.4043C>G on transcript NM_001040108.2 (MANE Select); coding-DNA position 4043, C replaced by G.
Protein change: p.Thr1348Arg; replaces threonine 1348 with arginine.
Molecular consequence: missense variant.
Genome position (GRCh38, 1-based): chr14:75,022,861, G>C on the plus strand (C>G on the coding strand, the complement: MLH3 is on the minus strand). VCF-style: chr14-75022861-G-C. GRCh37 (hg19) VCF-style: chr14-75489564-G-C.
Other names: c.3971C>G, p.Thr1324Arg (NM_014381.3); short protein forms T1324R, T1348R.
Identifiers: ClinVar variation 2448620 (VCV002448620.2), dbSNP rs2503068900, ClinGen allele CA390420826.
Genomic context (GRCh38, chr14:75,022,861, plus strand): 5'-TTGAAGGGCTTACCATGGCAGGCTTGGGATGCCAACACCTTCTGGACAGTCAGTGGCAAT[G>C]TCCCTTGGATGCCTCCGGTGGTCTGGAGTAGCTAATGCATAAACACGTTATTAACAGGAA-3'
Protein context (NP_001035197.1, residues 1338-1358): LLQTTGGIQG[Thr1348Arg]LPLTVQKVLA

ClinVar aggregate classification (germline): Uncertain significance (1 of 4 stars; one submission).

Submission:

Ambry Genetics
Classification: Uncertain significance. Last evaluated: 2022-12-12. Review status: criteria provided, single submitter. Criteria: Ambry Variant Classification Scheme 2023. Collection method: clinical testing. Allele origin: germline.
Comment: The p.T1348R variant (also known as c.4043C>G), located in coding exon 10 of the MLH3 gene, results from a C to G substitution at nucleotide position 4043. The threonine at codon 1348 is replaced by arginine, an amino acid with similar properties. This amino acid position is conserved. In addition, the in silico prediction for this alteration is inconclusive. Since supporting evidence is limited at this time, the clinical significance of this alteration remains unclear.